The following is an entry in ClinVar:

ClinVar aggregate classification (germline): Uncertain significance. Review status: criteria provided, multiple submitters, no conflicts (2 of 4 stars). 2 submissions from 2 submitters: Uncertain significance (2). Last evaluated 2025-08-14.

Conditions:
Charcot-Marie-Tooth disease type 4. Also called: Charcot-Marie-Tooth, Type 4; Charcot-Marie-Tooth disease, type IV. Identifiers: Orphanet 64749, MedGen C4082197, MONDO:0018995.

Allele frequency attached by ClinVar (database versions not stated): TOPMed below 0.00001.
gnomAD v4.1: 35 of 1,614,198 alleles (0.0022%); highest among the groups gnomAD compares: Non-Finnish European, 0.0029%; no homozygotes.

Submissions (2):

Mayo Clinic Laboratories, Mayo Clinic
Classification: Uncertain significance. Last evaluated: 2025-08-14. Review status: criteria provided, single submitter. Criteria: ACMG Guidelines, 2015. Collection method: clinical testing. Allele origin: germline. Observed: 1 variant allele.

Labcorp Genetics (formerly Invitae), Labcorp
Classification: Uncertain significance for Charcot-Marie-Tooth disease type 4. Last evaluated: 2022-03-14. Review status: criteria provided, single submitter. Criteria: Invitae Variant Classification Sherloc (09022015). Collection method: clinical testing. Allele origin: germline.
Comment: This sequence change replaces isoleucine, which is neutral and non-polar, with methionine, which is neutral and non-polar, at codon 384 of the SH3TC2 protein (p.Ile384Met). This variant is present in population databases (no rsID available, gnomAD 0.0009%). This variant has not been reported in the literature in individuals affected with SH3TC2-related conditions. Advanced modeling of protein sequence and biophysical properties (such as structural, functional, and spatial information, amino acid conservation, physicochemical variation, residue mobility, and thermodynamic stability) performed at Invitae indicates that this missense variant is not expected to disrupt SH3TC2 protein function. In summary, the available evidence is currently insufficient to determine the role of this variant in disease. Therefore, it has been classified as a Variant of Uncertain Significance.

NM_024577.4(SH3TC2):c.1152C>G (p.Ile384Met)

Gene: SH3TC2 (SH3 domain and tetratricopeptide repeats 2; minus strand). Cytogenetic location: 5q32.
Variant type: single nucleotide variant.
Coding change: c.1152C>G on transcript NM_024577.4 (MANE Select); coding-DNA position 1152, C replaced by G.
Protein change: p.Ile384Met; replaces isoleucine 384 with methionine.
Molecular consequence: missense variant.
Genome position (GRCh38, 1-based): chr5:149,028,702, G>C on the plus strand (C>G on the coding strand, the complement: SH3TC2 is on the minus strand). VCF-style: chr5-149028702-G-C. GRCh37 (hg19) VCF-style: chr5-148408265-G-C.
Other names: p.Ile384Met; short protein forms I384M.
Identifiers: ClinVar variation 2047402 (VCV002047402.2), dbSNP rs1428288955, ClinGen allele CA361669680.